The following is an entry in ClinVar:

NM_000170.3(GLDC):c.2182G>C (p.Gly728Arg)

Gene: GLDC (glycine decarboxylase; minus strand). Cytogenetic location: 9p24.1.
Variant type: single nucleotide variant.
Coding change: c.2182G>C on transcript NM_000170.3 (MANE Select); coding-DNA position 2182, G replaced by C.
Protein change: p.Gly728Arg; replaces glycine 728 with arginine.
Molecular consequence: missense variant.
Genome position (GRCh38, 1-based): chr9:6,556,173, C>G on the plus strand (G>C on the coding strand, the complement: GLDC is on the minus strand). VCF-style: chr9-6556173-C-G. GRCh37 (hg19) VCF-style: chr9-6556173-C-G.
Other names: short protein forms G728R.
Identifiers: ClinVar variation 56061 (VCV000056061.2), dbSNP rs386833542, ClinGen allele CA263338.

ClinVar aggregate classification (germline): Likely pathogenic (0 of 4 stars; one submission).

Conditions:
Glycine encephalopathy. Also called: Nonketotic hyperglycinemia; Non-ketotic hyperglycinemia. Identifiers: Orphanet 407, MedGen C0751748, MONDO:0011612, HP:0008288.

Submission:

Juha Muilu Group; Institute for Molecular Medicine Finland (FIMM)
Classification: Likely pathogenic for Non-ketotic hyperglycinemia. Review status: no assertion criteria provided. Collection method: not provided. Allele origin: unknown.
Comment: FinDis database variant: This variant was not found or characterized by our laboratory, data were collected from public sources: see reference
ClinVar note: Converted during submission from probable-pathogenic to Likely pathogenic.